The following is an entry in ClinVar:

ClinVar aggregate classification (germline): Uncertain significance (1 of 4 stars; one submission).

Submission:

GeneDx
Classification: Uncertain significance. Last evaluated: 2023-04-20. Review status: criteria provided, single submitter. Criteria: GeneDx Variant Classification Process June 2021. Collection method: clinical testing. Allele origin: germline. Affected: yes.
Comment: Not observed at significant frequency in large population cohorts (gnomAD); In silico analysis supports that this missense variant does not alter protein structure/function; Has not been previously published as pathogenic or benign to our knowledge

NM_001130438.3(SPTAN1):c.148C>A (p.Gln50Lys)

Gene: SPTAN1 (spectrin alpha, non-erythrocytic 1; plus strand). Cytogenetic location: 9q34.11.
Variant type: single nucleotide variant.
Coding change: c.148C>A on transcript NM_001130438.3 (MANE Select); coding-DNA position 148, C replaced by A.
Protein change: p.Gln50Lys; replaces glutamine 50 with lysine.
Molecular consequence: missense variant.
Genome position (GRCh38, 1-based): chr9:128,566,888, C>A. VCF-style: chr9-128566888-C-A. GRCh37 (hg19) VCF-style: chr9-131329167-C-A.
Other names: c.148C>A, p.Gln50Lys (NM_001195532.2, NM_001363759.2, NM_001363765.2 and 5 more transcripts); c.184C>A, p.Gln62Lys (NM_001375312.2, NM_001375318.1); short protein forms Q50K, Q62K.
Identifiers: ClinVar variation 2661987 (VCV002661987.1), dbSNP rs1253217137, ClinGen allele CA375049765.